The following is an entry in ClinVar:

NM_017934.7(PHIP):c.1096-7T>C

Gene: PHIP (PHIP subunit of CUL4-Ring ligase complex; minus strand). Cytogenetic location: 6q14.1.
Variant type: single nucleotide variant.
Coding change: c.1096-7T>C on transcript NM_017934.7 (MANE Select); 7 bases into the intron before coding-DNA position 1096, T replaced by C.
Molecular consequence: intron variant.
Genome position (GRCh38, 1-based): chr6:79,017,393, A>G on the plus strand (T>C on the coding strand, the complement: PHIP is on the minus strand). VCF-style: chr6-79017393-A-G. GRCh37 (hg19) VCF-style: chr6-79727110-A-G.
Identifiers: ClinVar variation 3354917 (VCV003354917.1).

ClinVar aggregate classification (germline): Likely benign (0 of 4 stars; one submission).

Conditions:
PHIP-related disorder. Also called: PHIP-related condition; PHIP-related disorders.

Submission:

PreventionGenetics, part of Exact Sciences
Classification: Likely benign for PHIP-related condition. Last evaluated: 2022-09-15. Review status: no assertion criteria provided. Collection method: clinical testing. Allele origin: germline.
Comment: This variant is classified as likely benign based on ACMG/AMP sequence variant interpretation guidelines (Richards et al. 2015 PMID: 25741868, with internal and published modifications).